The following is an entry in ClinVar:

ClinVar aggregate classification (germline): Uncertain significance. Review status: criteria provided, multiple submitters, no conflicts (2 of 4 stars). 2 submissions from 2 submitters: Uncertain significance (2). Last evaluated 2025-10-21.

Conditions:
Inborn genetic diseases. Identifiers: MedGen C0950123, MeSH D030342.
Cohen syndrome (COH1). Also called: PEPPER SYNDROME; Cutis verticis gyrata, retinitis pigmentosa, and sensorineural deafness. Identifiers: Orphanet 193, MedGen C0265223, MONDO:0008999, OMIM 216550.

Allele frequency attached by ClinVar (database versions not stated): gnomAD exomes below 0.00001; ExAC 0.00001; TOPMed 0.00001.
gnomAD v4.1: 10 of 1,612,740 alleles (0.00062%); highest among the groups gnomAD compares: East Asian, 0.0022%; no homozygotes.

Submissions (2):

Labcorp Genetics (formerly Invitae), Labcorp
Classification: Uncertain significance for Cohen syndrome. Last evaluated: 2025-10-21. Review status: criteria provided, single submitter. Criteria: Invitae Variant Classification Sherloc (09022015). Collection method: clinical testing. Allele origin: germline.
Comment: This sequence change replaces alanine, which is neutral and non-polar, with threonine, which is neutral and polar, at codon 3601 of the VPS13B protein (p.Ala3601Thr). This variant is present in population databases (rs779069069, gnomAD 0.006%). This variant has not been reported in the literature in individuals affected with VPS13B-related conditions. ClinVar contains an entry for this variant (Variation ID: 935379). Invitae Evidence Modeling of protein sequence and biophysical properties (such as structural, functional, and spatial information, amino acid conservation, physicochemical variation, residue mobility, and thermodynamic stability) indicates that this missense variant is expected to disrupt VPS13B protein function with a positive predictive value of 80%. In summary, the available evidence is currently insufficient to determine the role of this variant in disease. Therefore, it has been classified as a Variant of Uncertain Significance.

Ambry Genetics
Classification: Uncertain significance for Inborn genetic diseases. Last evaluated: 2021-06-18. Review status: criteria provided, single submitter. Criteria: Ambry Variant Classification Scheme 2023. Collection method: clinical testing. Allele origin: germline.

NM_152564.5(VPS13B):c.10726G>A (p.Ala3576Thr)

Gene: VPS13B (vacuolar protein sorting 13 homolog B; plus strand). Cytogenetic location: 8q22.2.
Variant type: single nucleotide variant.
Coding change: c.10726G>A on transcript NM_152564.5 (MANE Select); coding-DNA position 10726, G replaced by A.
Protein change: p.Ala3576Thr; replaces alanine 3576 with threonine.
Molecular consequence: missense variant.
Genome position (GRCh38, 1-based): chr8:99,854,115, G>A. VCF-style: chr8-99854115-G-A. GRCh37 (hg19) VCF-style: chr8-100866343-G-A.
Other names: c.10801G>A, p.Ala3601Thr (NM_017890.5); short protein forms A3576T, A3601T.
Identifiers: ClinVar variation 935379 (VCV000935379.6), dbSNP rs779069069, ClinGen allele CA4825009.